The following is an entry in ClinVar:

ClinVar aggregate classification (germline): Uncertain significance (1 of 4 stars; one submission).

Conditions:
Autosomal recessive limb-girdle muscular dystrophy type R18 (LGMDR18). Also called: Autosomal recessive limb-girdle muscular dystrophy type 2S; Limb-girdle muscular dystrophy, type 2S; MUSCULAR DYSTROPHY, LIMB-GIRDLE, AUTOSOMAL RECESSIVE 18. Identifiers: Orphanet 369840, MedGen C4517996, MONDO:0014144, OMIM 615356.

Allele frequency attached by ClinVar (database versions not stated): gnomAD 0.00003 and 0.00004; TOPMed 0.00003.
gnomAD v4.1: 103 of 1,613,742 alleles (0.0064%); highest among the groups gnomAD compares: Non-Finnish European, 0.0086%; no homozygotes.

Submission:

Labcorp Genetics (formerly Invitae), Labcorp
Classification: Uncertain significance for Autosomal recessive limb-girdle muscular dystrophy type R18. Last evaluated: 2019-10-21. Review status: criteria provided, single submitter. Criteria: Invitae Variant Classification Sherloc (09022015). Collection method: clinical testing. Allele origin: germline.
Comment: This sequence change replaces arginine with glycine at codon 48 of the TRAPPC11 protein (p.Arg48Gly). The arginine residue is highly conserved and there is a moderate physicochemical difference between arginine and glycine. In summary, the available evidence is currently insufficient to determine the role of this variant in disease. Therefore, it has been classified as a Variant of Uncertain Significance. Algorithms developed to predict the effect of missense changes on protein structure and function are either unavailable or do not agree on the potential impact of this missense change (SIFT: "Deleterious"; PolyPhen-2: "Benign"; Align-GVGD: "Class C0"). This variant has not been reported in the literature in individuals with TRAPPC11-related conditions. This variant is not present in population databases (ExAC no frequency).

NM_021942.6(TRAPPC11):c.142C>G (p.Arg48Gly)

Gene: TRAPPC11 (trafficking protein particle complex subunit 11; plus strand). Cytogenetic location: 4q35.1.
Variant type: single nucleotide variant.
Coding change: c.142C>G on transcript NM_021942.6 (MANE Select); coding-DNA position 142, C replaced by G.
Protein change: p.Arg48Gly; replaces arginine 48 with glycine.
Molecular consequence: missense variant.
Genome position (GRCh38, 1-based): chr4:183,664,009, C>G. VCF-style: chr4-183664009-C-G. GRCh37 (hg19) VCF-style: chr4-184585162-C-G.
Other names: c.142C>G, p.Arg48Gly (NM_199053.3); short protein forms R48G.
Identifiers: ClinVar variation 967137 (VCV000967137.9), dbSNP rs150331292, ClinGen allele CA111833002.